The following is an entry in ClinVar:

ClinVar aggregate classification (germline): Uncertain significance (1 of 4 stars; one submission).

gnomAD v4.1: 53 of 1,571,010 alleles (0.0034%); highest among the groups gnomAD compares: Middle Eastern, 0.1%; 1 homozygote.

Submission:

Labcorp Genetics (formerly Invitae), Labcorp
Classification: Uncertain significance. Last evaluated: 2025-08-07. Review status: criteria provided, single submitter. Criteria: Invitae Variant Classification Sherloc (09022015). Collection method: clinical testing. Allele origin: germline.
Comment: This sequence change replaces alanine, which is neutral and non-polar, with threonine, which is neutral and polar, at codon 802 of the HR protein (p.Ala802Thr). The frequency data for this variant in the population databases is considered unreliable, as metrics indicate poor data quality at this position in the gnomAD database. This variant has not been reported in the literature in individuals affected with HR-related conditions. An algorithm developed to predict the effect of missense changes on protein structure and function (PolyPhen-2) suggests that this variant is likely to be disruptive. In summary, the available evidence is currently insufficient to determine the role of this variant in disease. Therefore, it has been classified as a Variant of Uncertain Significance.

NM_005144.5(HR):c.2404G>A (p.Ala802Thr)

Gene: HR (HR lysine demethylase and nuclear receptor corepressor; minus strand). Cytogenetic location: 8p21.3.
Variant type: single nucleotide variant.
Coding change: c.2404G>A on transcript NM_005144.5 (MANE Select); coding-DNA position 2404, G replaced by A.
Protein change: p.Ala802Thr; replaces alanine 802 with threonine.
Molecular consequence: missense variant.
Genome position (GRCh38, 1-based): chr8:22,120,922, C>T on the plus strand (G>A on the coding strand, the complement: HR is on the minus strand). VCF-style: chr8-22120922-C-T. GRCh37 (hg19) VCF-style: chr8-21978435-C-T.
Other names: c.2404G>A, p.Ala802Thr (NM_018411.4); short protein forms A802T.
Identifiers: ClinVar variation 4800910 (VCV004800910.1).